The following is an entry in ClinVar:

NM_001084.5(PLOD3):c.889C>T (p.Arg297Trp)

Gene: PLOD3 (procollagen-lysine,2-oxoglutarate 5-dioxygenase 3; minus strand). Cytogenetic location: 7q22.1.
Variant type: single nucleotide variant.
Coding change: c.889C>T on transcript NM_001084.5 (MANE Select); coding-DNA position 889, C replaced by T.
Protein change: p.Arg297Trp; replaces arginine 297 with tryptophan.
Molecular consequence: missense variant.
Genome position (GRCh38, 1-based): chr7:101,212,646, G>A on the plus strand (C>T on the coding strand, the complement: PLOD3 is on the minus strand). VCF-style: chr7-101212646-G-A. GRCh37 (hg19) VCF-style: chr7-100855927-G-A.
Other names: c.889C>T (NM_001084.4); short protein forms R297W.
Identifiers: ClinVar variation 2965366 (VCV002965366.2), dbSNP rs776439156, ClinGen allele CA4407945.

ClinVar aggregate classification (germline): Conflicting classifications of pathogenicity. Review status: criteria provided, conflicting classifications (1 of 4 stars). 2 submissions from 2 submitters: Uncertain significance (1); Likely benign (1). Last evaluated 2024-06-16.

Conditions:
Inborn genetic diseases. Identifiers: MedGen C0950123, MeSH D030342.

gnomAD v4.1: 49 of 1,612,682 alleles (0.003%); highest among the groups gnomAD compares: East Asian, 0.02%; no homozygotes.

Submissions (2):

Ambry Genetics
Classification: Likely benign for Inborn genetic diseases. Last evaluated: 2024-06-16. Review status: criteria provided, single submitter. Criteria: Ambry Variant Classification Scheme 2023. Collection method: clinical testing. Allele origin: germline.

Labcorp Genetics (formerly Invitae), Labcorp
Classification: Uncertain significance. Last evaluated: 2023-02-16. Review status: criteria provided, single submitter. Criteria: Invitae Variant Classification Sherloc (09022015). Collection method: clinical testing. Allele origin: germline.
Comment: This sequence change replaces arginine, which is basic and polar, with tryptophan, which is neutral and slightly polar, at codon 297 of the PLOD3 protein (p.Arg297Trp). In summary, the available evidence is currently insufficient to determine the role of this variant in disease. Therefore, it has been classified as a Variant of Uncertain Significance. An algorithm developed to predict the effect of missense changes on protein structure and function (PolyPhen-2) suggests that this variant is likely to be disruptive. This variant has not been reported in the literature in individuals affected with PLOD3-related conditions. This variant is present in population databases (rs776439156, gnomAD 0.05%).